The following is an entry in ClinVar:

NM_001967.4(EIF4A2):c.1012G>C (p.Asp338His)

Gene: EIF4A2 (eukaryotic translation initiation factor 4A2; plus strand). Cytogenetic location: 3q27.3.
Variant type: single nucleotide variant.
Coding change: c.1012G>C on transcript NM_001967.4 (MANE Select); coding-DNA position 1012, G replaced by C.
Protein change: p.Asp338His; replaces aspartic acid 338 with histidine.
Molecular consequence: missense variant.
Genome position (GRCh38, 1-based): chr3:186,787,815, G>C. VCF-style: chr3-186787815-G-C. GRCh37 (hg19) VCF-style: chr3-186505604-G-C.
Other names: short protein forms D338H.
Identifiers: ClinVar variation 5002905 (VCV005002905.1).
Genomic context (GRCh38, chr3:186,787,815, plus strand): 5'-TGTCAAGTTTTTTTGAATCAATTTTTAAAACATGCCATTGTGTTTCAGGCTCGCGGGATT[G>C]ATGTGCAACAAGTGTCTTTGGTTATAAATTATGATCTACCTACCAATCGTGAAAACTATA-3'
Protein context (NP_001958.2, residues 328-348): ITTDLLARGI[Asp338His]VQQVSLVINY

ClinVar aggregate classification (germline): Likely pathogenic (1 of 4 stars; one submission).

Conditions:
Neurodevelopmental disorder with hypotonia and speech delay, with or without seizures (NEDHSS). Identifiers: MedGen C5830654, MONDO:0957541, OMIM 620455.

Submission:

OLLIN Analises Genomicas, OLLIN
Classification: Likely pathogenic for Neurodevelopmental disorder with hypotonia and speech delay, with or without seizures. Last evaluated: 2026-08-06. Review status: criteria provided, single submitter. Criteria: ACMG Guidelines 2015 PMID 25741868. Collection method: clinical testing. Allele origin: germline. Inheritance: Autosomal dominant inheritance.
Comment: This missense variant, located in exon 10 (of 11), is absent from gnomAD and ClinVar and has not been identified in the literature. In silico analysis predicts that this variant has a deleterious effect. This variant is located in a region considered to be a mutational hotspot. Another pathogenic variant affecting the same amino acid residue has been reported. This gene is constrained for missense variation. According to the currently available evidence, this variant has been classified as likely pathogenic (PM1, PM2_P, PM5, PP3, PP2).